The following is an entry in ClinVar:

NM_000444.6(PHEX):c.*218A>C

Genes: PHEX (phosphate regulating endopeptidase X-linked; plus strand), PTCHD1-AS (PTCHD1 and PHEX antisense RNA; minus strand). Cytogenetic location: Xp22.11.
Variant type: single nucleotide variant.
Coding change: c.*218A>C on transcript NM_000444.6 (MANE Select); 218 bases downstream of the stop codon, A replaced by C.
Molecular consequence: 3 prime UTR variant.
Genome position (GRCh38, 1-based): chrX:22,248,171, A>C. VCF-style: chrX-22248171-A-C. GRCh37 (hg19) VCF-style: chrX-22266288-A-C.
Other names: c.*303A>C (NM_001282754.2).
Identifiers: ClinVar variation 368173 (VCV000368173.9), dbSNP rs141594056, ClinGen allele CA10651808.

ClinVar aggregate classification (germline): Benign/Likely benign. Review status: criteria provided, multiple submitters, no conflicts (2 of 4 stars). 3 submissions from 3 submitters: Benign (1); Likely benign (2). Last evaluated 2018-08-30.

Conditions:
Familial X-linked hypophosphatemic vitamin D refractory rickets (XLHRD). Also called: X-Linked Hypophosphatemia; HYPOPHOSPHATEMIC VITAMIN D-RESISTANT RICKETS; Hypophosphatemic Rickets, X-Linked Dominant; Hypophosphatemia, vitamin D-resistant rickets; Vitamin D-resistant rickets, X-linked. Identifiers: Orphanet 89936, MedGen C0733682, MONDO:0010619, OMIM 307800.

Allele frequency attached by ClinVar (database versions not stated): gnomAD exomes 0.00075; gnomAD 0.00617 and 0.00645; TOPMed 0.00709; 1000 Genomes Project 0.00795; 1000 Genomes Project 30x 0.00916.

Submissions (3):

GeneDx
Classification: Likely benign. Last evaluated: 2018-08-30. Review status: criteria provided, single submitter. Criteria: GeneDx Variant Classification Process June 2021. Collection method: clinical testing. Allele origin: germline. Affected: yes.

Illumina Laboratory Services, Illumina
Classification: Benign for Familial X-linked hypophosphatemic vitamin D refractory rickets. Last evaluated: 2018-01-13. Review status: criteria provided, single submitter. Criteria: ICSL Variant Classification Criteria 13 December 2019. Collection method: clinical testing. Allele origin: germline.
Comment: This variant was observed in the ICSL laboratory as part of a predisposition screen in an ostensibly healthy population. It had not been previously curated by ICSL or reported in the Human Gene Mutation Database (HGMD: prior to June 1st, 2018), and was therefore a candidate for classification through an automated scoring system. Utilizing variant allele frequency, disease prevalence and penetrance estimates, and inheritance mode, an automated score was calculated to assess if this variant is too frequent to cause the disease. Based on the score and internal cut-off values, a variant classified as benign is not then subjected to further curation. The score for this variant resulted in a classification of benign for this disease.

Breakthrough Genomics
Classification: Likely benign. Review status: criteria provided, single submitter. Criteria: ACMG Guidelines, 2015. Collection method: not provided. Allele origin: germline. Inheritance: X-linked inheritance. Affected: yes.